The following is an entry in ClinVar:

ClinVar aggregate classification (germline): Benign/Likely benign. Review status: criteria provided, multiple submitters, no conflicts (2 of 4 stars). 4 submissions from 4 submitters: Benign (1); Likely benign (1). 2 of the submissions do not count toward it. Last evaluated 2017-12-01.

Allele frequency attached by ClinVar (database versions not stated): 1000 Genomes Project 30x 0.00937; gnomAD 0.01414; gnomAD exomes 0.01832; ExAC 0.08000.

Submissions (4):

GeneDx
Classification: Benign. Last evaluated: 2017-12-01. Review status: criteria provided, single submitter. Criteria: GeneDx Variant Classification (06012015). Collection method: clinical testing. Allele origin: germline. Affected: yes.
Comment: This variant is considered likely benign or benign based on one or more of the following criteria: it is a conservative change, it occurs at a poorly conserved position in the protein, it is predicted to be benign by multiple in silico algorithms, and/or has population frequency not consistent with disease.

PreventionGenetics, part of Exact Sciences
Classification: Likely benign. Review status: criteria provided, single submitter. Criteria: ACMG Guidelines, 2015. Collection method: clinical testing. Allele origin: germline.

Genome Diagnostics Laboratory, University Medical Center Utrecht
Classification: Benign. Review status: no assertion criteria provided. Collection method: clinical testing. Allele origin: germline. Affected: yes. Study: VKGL Data-share Consensus. Not counted in ClinVar's aggregate classification.

Laboratory of Diagnostic Genome Analysis, Leiden University Medical Center (LUMC)
Classification: Likely benign. Review status: no assertion criteria provided. Collection method: clinical testing. Allele origin: germline. Affected: yes. Study: VKGL Data-share Consensus. Not counted in ClinVar's aggregate classification.

NM_001164508.2(NEB):c.15821A>T (p.Asn5274Ile)

Gene: NEB (nebulin; minus strand). Cytogenetic location: 2q23.3.
Variant type: single nucleotide variant.
Coding change: c.15821A>T on transcript NM_001164508.2 (MANE Select); coding-DNA position 15821, A replaced by T.
Protein change: p.Asn5274Ile; replaces asparagine 5274 with isoleucine.
Molecular consequence: missense variant. On other transcripts: intron variant (1).
Genome position (GRCh38, 1-based): chr2:151,583,609, T>A on the plus strand (A>T on the coding strand, the complement: NEB is on the minus strand). VCF-style: chr2-151583609-T-A. GRCh37 (hg19) VCF-style: chr2-152440123-T-A.
Other names: c.15821A>T, p.Asn5274Ile (NM_001164507.2, NM_001271208.2); c.11602-7255A>T (NM_004543.5); short protein forms N5274I.
Identifiers: ClinVar variation 257755 (VCV000257755.4), dbSNP rs45612241, ClinGen allele CA1908444.